The following is an entry in ClinVar:

NM_002474.3(MYH11):c.5595C>T (p.Ala1865=)

Genes: MYH11 (myosin heavy chain 11; minus strand), NDE1 (nudE neurodevelopment protein 1; plus strand). Cytogenetic location: 16p13.11.
Variant type: single nucleotide variant.
Coding change: c.5595C>T on transcript NM_002474.3 (MANE Select); coding-DNA position 5595, C replaced by T.
Protein change: p.Ala1865=; no amino-acid change (alanine 1865 retained).
Molecular consequence: synonymous variant. On other transcripts: intron variant (2).
Genome position (GRCh38, 1-based): chr16:15,715,182, G>A on the plus strand (C>T on the coding strand, the complement: MYH11 is on the minus strand). VCF-style: chr16-15715182-G-A. GRCh37 (hg19) VCF-style: chr16-15809039-G-A.
Other names: c.5616C>T, p.Ala1872= (NM_001040113.2, NM_001040114.2); c.5595C>T, p.Ala1865= (NM_022844.3); c.948-9009G>A (NM_001143979.2, NM_017668.3).
Identifiers: ClinVar variation 264414 (VCV000264414.20), dbSNP rs760286479, ClinGen allele CA7921214.
Genomic context (GRCh38, chr16:15,715,182, plus strand): 5'-TGGGGGCTGGGGGCTCGAGGGAGGCTGGGTGGCAGGGGCTACCTGCTCCTTGTACTGCTC[G>A]GCCATCTTGCGCTCGTCCTCCACCTGCAGCAAGATTTCCTTCAGCTTCTTGTCTTTCTGC-3'
Protein context (NP_002465.1, residues 1855-1875): LLQVEDERKM[Ala1865=]EQYKEQAEKG

ClinVar aggregate classification (germline): Benign/Likely benign. Review status: criteria provided, multiple submitters, no conflicts (2 of 4 stars). 7 submissions from 7 submitters: Benign (1); Likely benign (5). 1 of the submissions does not count toward it. Last evaluated 2025-12-03.

Conditions:
MYH11-related disorder. Also called: MYH11-related condition.
Familial thoracic aortic aneurysm and aortic dissection (TAAD). Also called: Thoracic aortic aneurysms and dissections. Identifiers: Orphanet 91387, MedGen C4707243, MONDO:0019625.
Aortic aneurysm, familial thoracic 4 (AAT4). Also called: AORTIC ANEURYSM/AORTIC DISSECTION AND PATENT DUCTUS ARTERIOSUS. Identifiers: MedGen C1851504, MONDO:0007568, OMIM 132900.

Allele frequency attached by ClinVar (database versions not stated): gnomAD 0.00004 and 0.00005; TOPMed 0.00005; ExAC 0.00007; gnomAD exomes 0.00008.
gnomAD v4.1: 44 of 1,613,860 alleles (0.0027%); highest among the groups gnomAD compares: East Asian, 0.051%; no homozygotes.

Submissions (7):

Labcorp Genetics (formerly Invitae), Labcorp
Classification: Likely benign for Aortic aneurysm, familial thoracic 4. Last evaluated: 2025-12-03. Review status: criteria provided, single submitter. Criteria: Invitae Variant Classification Sherloc (09022015). Collection method: clinical testing. Allele origin: germline.

All of Us Research Program, National Institutes of Health
Classification: Likely benign for Familial thoracic aortic aneurysm and aortic dissection. Last evaluated: 2023-11-02. Review status: criteria provided, single submitter. Criteria: ACMG Guidelines, 2015. Collection method: clinical testing. Allele origin: germline. Inheritance: Autosomal dominant inheritance. Observed: 5 variant alleles, 5 heterozygotes.
Comment: This study involves interpretation of variants in research participants for the purpose of population health screening. Participant phenotype was not available at the time of variant classification. Additional details can be found in publication PMID: 35346344, PMCID: PMC8962531

Blueprint Genetics
Classification: Likely benign. Last evaluated: 2019-07-17. Review status: criteria provided, single submitter. Criteria: ACMG Guidelines, 2015. Collection method: clinical testing. Allele origin: germline.

Color Diagnostics, LLC DBA Color Health
Classification: Likely benign for Familial thoracic aortic aneurysm and aortic dissection. Last evaluated: 2018-09-28. Review status: criteria provided, single submitter. Criteria: ACMG Guidelines, 2015. Collection method: clinical testing. Allele origin: germline.

Ambry Genetics
Classification: Likely benign for Familial thoracic aortic aneurysm and aortic dissection. Last evaluated: 2015-09-15. Review status: criteria provided, single submitter. Criteria: Ambry Variant Classification Scheme 2023. Collection method: clinical testing. Allele origin: germline.

GeneDx
Classification: Benign. Last evaluated: 2015-06-23. Review status: criteria provided, single submitter. Criteria: GeneDx Variant Classification (06012015). Collection method: clinical testing. Allele origin: germline. Affected: yes.
Comment: This variant is considered likely benign or benign based on one or more of the following criteria: it is a conservative change, it occurs at a poorly conserved position in the protein, it is predicted to be benign by multiple in silico algorithms, and/or has population frequency not consistent with disease.

PreventionGenetics, part of Exact Sciences
Classification: Likely benign for MYH11-related condition. Last evaluated: 2023-06-26. Review status: no assertion criteria provided. Collection method: clinical testing. Allele origin: germline. Not counted in ClinVar's aggregate classification.
Comment: This variant is classified as likely benign based on ACMG/AMP sequence variant interpretation guidelines (Richards et al. 2015 PMID: 25741868, with internal and published modifications).